The following is an entry in ClinVar:

ClinVar aggregate classification (germline): Uncertain significance (1 of 4 stars; one submission).

gnomAD v4.1: 1 of 1,614,190 alleles (0.000062%); highest among the groups gnomAD compares: Admixed American, 0.0017%; no homozygotes.

Submission:

GeneDx
Classification: Uncertain significance. Last evaluated: 2025-04-09. Review status: criteria provided, single submitter. Criteria: GeneDx Variant Classification Process June 2021. Collection method: clinical testing. Allele origin: germline. Affected: yes.
Comment: Not observed at significant frequency in large population cohorts (gnomAD); In silico analysis supports that this missense variant has a deleterious effect on protein structure/function; Has not been previously published as pathogenic or benign to our knowledge

NM_004415.4(DSP):c.7843G>A (p.Glu2615Lys)

Gene: DSP (desmoplakin; plus strand). Cytogenetic location: 6p24.3.
Variant type: single nucleotide variant.
Coding change: c.7843G>A on transcript NM_004415.4 (MANE Select); coding-DNA position 7843, G replaced by A.
Protein change: p.Glu2615Lys; replaces glutamic acid 2615 with lysine.
Molecular consequence: missense variant.
Genome position (GRCh38, 1-based): chr6:7,585,105, G>A. VCF-style: chr6-7585105-G-A. GRCh37 (hg19) VCF-style: chr6-7585338-G-A.
Other names: c.6046G>A, p.Glu2016Lys (NM_001008844.3); c.6514G>A, p.Glu2172Lys (NM_001319034.2); short protein forms E2016K, E2172K, E2615K.
Identifiers: ClinVar variation 4281918 (VCV004281918.1).